The following is an entry in ClinVar:

ClinVar aggregate classification (germline): Pathogenic/Likely pathogenic. Review status: criteria provided, multiple submitters, no conflicts (2 of 4 stars). 4 submissions from 4 submitters: Pathogenic (1); Likely pathogenic (3). Last evaluated 2026-03-05.

Conditions:
Dihydropteridine reductase deficiency (HPABH4C). Also called: BH4-Deficient Hyperphenylalaninemia C; Phenylketonuria II; DHPR DEFICIENCY; HYPERPHENYLALANINEMIA, TETRAHYDROBIOPTERIN-DEFICIENT, DUE TO DHPR DEFICIENCY; QDPR DEFICIENCY; QUINOID DIHYDROPTERIDINE REDUCTASE DEFICIENCY. Identifiers: Orphanet 226, Orphanet 238583, MedGen C0268465, MONDO:0009862, OMIM 261630.

Allele frequency attached by ClinVar (database versions not stated): TOPMed 0.00002; gnomAD 0.00001; gnomAD exomes 0.00001.

Submissions (4):

GeneDx
Classification: Likely pathogenic. Last evaluated: 2026-03-05. Review status: criteria provided, single submitter. Criteria: GeneDx Variant Classification Process June 2021. Collection method: clinical testing. Allele origin: germline.
Comment: Observed with a second QDPR variant in a patient with BH4-deficient hyperphenylalaninemia in published literature, but it is not known whether the variants occurred on the same (in cis) or on different (in trans) chromosomes (PMID: 33822819); Not observed at significant frequency in large population cohorts (gnomAD); In silico analysis supports that this missense variant has a deleterious effect on protein structure/function; This variant is associated with the following publications: (PMID: 33152132, 27527004, 33903016, 26006720, 27246466, 33822819, 36646061)

Fulgent Genetics
Classification: Likely pathogenic for Dihydropteridine reductase deficiency. Last evaluated: 2024-03-16. Review status: criteria provided, single submitter. Criteria: ACMG Guidelines, 2015. Collection method: clinical testing. Allele origin: germline.

Labcorp Genetics (formerly Invitae), Labcorp
Classification: Pathogenic for Dihydropteridine reductase deficiency. Last evaluated: 2023-09-06. Review status: criteria provided, single submitter. Criteria: Invitae Variant Classification Sherloc (09022015). Collection method: clinical testing. Allele origin: germline.
Comment: This missense change has been observed in individual(s) with BH4 deficiency (PMID: 26006720). This variant is present in population databases (no rsID available, gnomAD 0.002%). This sequence change replaces serine, which is neutral and polar, with leucine, which is neutral and non-polar, at codon 115 of the QDPR protein (p.Ser115Leu). ClinVar contains an entry for this variant (Variation ID: 459896). An algorithm developed to predict the effect of missense changes on protein structure and function (PolyPhen-2) suggests that this variant is likely to be disruptive. For these reasons, this variant has been classified as Pathogenic.

Pathology and Clinical Laboratory Medicine, King Fahad Medical City
Classification: Likely pathogenic for Dihydropteridine reductase deficiency. Review status: criteria provided, single submitter. Criteria: ACMG Guidelines, 2015. Collection method: clinical testing. Allele origin: germline. Affected: yes. Observed: 4 variant alleles.

Literature cited by the submitters: PubMed 26006720 (cited by Labcorp Genetics (formerly Invitae), Labcorp).

NM_000320.3(QDPR):c.344C>T (p.Ser115Leu)

Gene: QDPR (quinoid dihydropteridine reductase; minus strand). Cytogenetic location: 4p15.32.
Variant type: single nucleotide variant.
Coding change: c.344C>T on transcript NM_000320.3 (MANE Select); coding-DNA position 344, C replaced by T.
Protein change: p.Ser115Leu; replaces serine 115 with leucine.
Molecular consequence: missense variant. On other transcripts: non-coding transcript variant (1).
Genome position (GRCh38, 1-based): chr4:17,501,811, G>A on the plus strand (C>T on the coding strand, the complement: QDPR is on the minus strand). VCF-style: chr4-17501811-G-A. GRCh37 (hg19) VCF-style: chr4-17503434-G-A.
Other names: c.251C>T, p.Ser84Leu (NM_001306140.2); short protein forms S115L, S84L.
Identifiers: ClinVar variation 459896 (VCV000459896.13), dbSNP rs1407920390, ClinGen allele CA356448606.
Genomic context (GRCh38, chr4:17,501,811, plus strand): 5'-GCCAAGGTCAGGAGGCCTCCTTCCTTGAGATGCTTGGTAGCCAGATGGCTGGAGATGGTC[G>A]ATGTCCATATGCTCTGCTTCCACATCAGGTCACAGTTCTTAAAGAGAGCTGAGTGAAAAA-3'
Protein context (NP_000311.2, residues 105-125): DLMWKQSIWT[Ser115Leu]TISSHLATKH